The following is an entry in ClinVar:

ClinVar aggregate classification (germline): Pathogenic (1 of 4 stars; one submission).

Conditions:
Congenital hyperammonemia, type I. Also called: Carbamoyl-phosphate synthase I deficiency; CPS I DEFICIENCY; Carbamoyl phosphate synthetase I deficiency disease; Carbamoyl phosphate synthetase 1 deficiency; Hyperammonemia due to carbamoyl phosphate synthetase 1 deficiency; CPS 1 deficiency. Identifiers: Orphanet 147, MedGen C4082171, MONDO:0009376, OMIM 237300.

Submission:

Labcorp Genetics (formerly Invitae), Labcorp
Classification: Pathogenic for Congenital hyperammonemia, type I. Last evaluated: 2022-09-19. Review status: criteria provided, single submitter. Criteria: Invitae Variant Classification Sherloc (09022015). Collection method: clinical testing. Allele origin: germline.
Comment: For these reasons, this variant has been classified as Pathogenic. This variant has not been reported in the literature in individuals affected with CPS1-related conditions. This variant is a gross deletion of the genomic region encompassing exon(s) 1-19 of the CPS1 gene, which includes the initiator codon. This deletion extends beyond the assayed region for this gene and therefore may encompass additional genes. It is expected to result in an absent or disrupted protein product. Loss-of-function variants in CPS1 are known to be pathogenic (PMID: 21120950).

Literature cited by the submitters: PubMed 21120950.

NC_000002.11:g.(?_211421433)_(211473293_?)del

Gene: CPS1 (carbamoyl-phosphate synthase 1; plus strand). Cytogenetic location: 2q34.
Variant type: Deletion.
Identifiers: ClinVar variation 2424287 (VCV002424287.3).